The following is an entry in ClinVar:

ClinVar aggregate classification (germline): Uncertain significance (1 of 4 stars; one submission).

Allele frequency attached by ClinVar (database versions not stated): gnomAD 0.00001; gnomAD exomes 0.00002; TOPMed 0.00002.
gnomAD v4.1: 37 of 1,614,056 alleles (0.0023%); highest among the groups gnomAD compares: Non-Finnish European, 0.0029%; no homozygotes.

Submission:

Labcorp Genetics (formerly Invitae), Labcorp
Classification: Uncertain significance. Last evaluated: 2023-06-20. Review status: criteria provided, single submitter. Criteria: Invitae Variant Classification Sherloc (09022015). Collection method: clinical testing. Allele origin: germline.
Comment: In summary, the available evidence is currently insufficient to determine the role of this variant in disease. Therefore, it has been classified as a Variant of Uncertain Significance. Advanced modeling of protein sequence and biophysical properties (such as structural, functional, and spatial information, amino acid conservation, physicochemical variation, residue mobility, and thermodynamic stability) performed at Invitae indicates that this missense variant is expected to disrupt TRRAP protein function. This variant has not been reported in the literature in individuals affected with TRRAP-related conditions. This variant is present in population databases (no rsID available, gnomAD 0.002%). This sequence change replaces alanine, which is neutral and non-polar, with valine, which is neutral and non-polar, at codon 3328 of the TRRAP protein (p.Ala3328Val).

NM_001375524.1(TRRAP):c.10112C>T (p.Ala3371Val)

Gene: TRRAP (transformation/transcription domain associated protein; plus strand). Cytogenetic location: 7q22.1.
Variant type: single nucleotide variant.
Coding change: c.10112C>T on transcript NM_001375524.1 (MANE Select); coding-DNA position 10112, C replaced by T.
Protein change: p.Ala3371Val; replaces alanine 3371 with valine.
Molecular consequence: missense variant.
Genome position (GRCh38, 1-based): chr7:98,994,651, C>T. VCF-style: chr7-98994651-C-T. GRCh37 (hg19) VCF-style: chr7-98592274-C-T.
Other names: c.10070C>T, p.Ala3357Val (NM_001244580.2); c.9983C>T, p.Ala3328Val (NM_003496.4); short protein forms A3357V, A3371V, A3328V.
Identifiers: ClinVar variation 2727824 (VCV002727824.3), dbSNP rs1409029044, ClinGen allele CA368332408.